The following is an entry in ClinVar:

NM_001348716.2(KDM6B):c.3043C>T (p.Arg1015Cys)

Gene: KDM6B (lysine demethylase 6B; plus strand). Cytogenetic location: 17p13.1.
Variant type: single nucleotide variant.
Coding change: c.3043C>T on transcript NM_001348716.2 (MANE Select); coding-DNA position 3043, C replaced by T.
Protein change: p.Arg1015Cys; replaces arginine 1015 with cysteine.
Molecular consequence: missense variant.
Genome position (GRCh38, 1-based): chr17:7,849,331, C>T. VCF-style: chr17-7849331-C-T. GRCh37 (hg19) VCF-style: chr17-7752649-C-T.
Other names: c.3043C>T, p.Arg1015Cys (NM_001080424.2); short protein forms R1015C.
Identifiers: ClinVar variation 3029266 (VCV003029266.2), dbSNP rs1157239894, ClinGen allele CA397922777.

ClinVar aggregate classification (germline): Uncertain significance (0 of 4 stars; one submission).

Conditions:
KDM6B-related disorder. Also called: KDM6B-related condition.

Allele frequency attached by ClinVar (database versions not stated): TOPMed below 0.00001; gnomAD 0.00001.
gnomAD v4.1: 2 of 1,573,376 alleles (0.00013%); highest among the groups gnomAD compares: African/African-American, 0.0027%; no homozygotes.

Submission:

PreventionGenetics, part of Exact Sciences
Classification: Uncertain significance for KDM6B-related condition. Last evaluated: 2023-12-12. Review status: no assertion criteria provided. Collection method: clinical testing. Allele origin: germline.
Comment: The KDM6B c.3043C>T variant is predicted to result in the amino acid substitution p.Arg1015Cys. To our knowledge, this variant has not been reported in the literature or in a large population database, indicating this variant is rare. At this time, the clinical significance of this variant is uncertain due to the absence of conclusive functional and genetic evidence.